The following is an entry in ClinVar:

NM_201596.3(CACNB2):c.1521C>A (p.Ser507=)

Gene: CACNB2 (calcium voltage-gated channel auxiliary subunit beta 2; plus strand). Cytogenetic location: 10p12.31.
Variant type: single nucleotide variant.
Coding change: c.1521C>A on transcript NM_201596.3 (MANE Select); coding-DNA position 1521, C replaced by A.
Protein change: p.Ser507=; no amino-acid change (serine 507 retained).
Molecular consequence: synonymous variant.
Genome position (GRCh38, 1-based): chr10:18,539,262, C>A. VCF-style: chr10-18539262-C-A. GRCh37 (hg19) VCF-style: chr10-18828191-C-A.
Other names: c.1356C>A, p.Ser452= (NM_000724.4); c.1323C>A, p.Ser441= (NM_001167945.2); c.1242C>A, p.Ser414= (NM_001330060.2); c.1377C>A, p.Ser459= (NM_201570.3); c.1437C>A, p.Ser479= (NM_201571.4); c.1365C>A, p.Ser455= (NM_201572.4); c.1359C>A, p.Ser453= (NM_201590.3); c.1407C>A, p.Ser469= (NM_201593.3); and 1 more.
Identifiers: ClinVar variation 1169623 (VCV001169623.13), dbSNP rs143060134, ClinGen allele CA5430085.

ClinVar aggregate classification (germline): Benign/Likely benign. Review status: criteria provided, multiple submitters, no conflicts (2 of 4 stars). 4 submissions from 4 submitters: Benign (1); Likely benign (3). Last evaluated 2025-11-24.

Conditions:
CACNB2-related disorder. Also called: CACNB2-related condition.
Cardiovascular phenotype. Identifiers: MedGen CN230736.
Brugada syndrome 4 (BRGDA4). Identifiers: Orphanet 130, MedGen C2678477, MONDO:0012743, OMIM 611876.

gnomAD v4.1: 64 of 1,613,832 alleles (0.004%); highest among the groups gnomAD compares: African/African-American, 0.073%; no homozygotes.

Submissions (4):

Labcorp Genetics (formerly Invitae), Labcorp
Classification: Benign for Brugada syndrome 4. Last evaluated: 2025-11-24. Review status: criteria provided, single submitter. Criteria: Invitae Variant Classification Sherloc (09022015). Collection method: clinical testing. Allele origin: germline.

PreventionGenetics, part of Exact Sciences
Classification: Likely benign for CACNB2-related condition. Last evaluated: 2025-04-29. Review status: criteria provided, single submitter. Criteria: ACMG Guidelines, 2015. Collection method: clinical testing. Allele origin: germline.
Comment: This variant is classified as likely benign based on ACMG/AMP sequence variant interpretation guidelines (Richards et al. 2015 PMID: 25741868, with internal and published modifications).

Blueprint Genetics
Classification: Likely benign. Last evaluated: 2024-06-10. Review status: criteria provided, single submitter. Criteria: ACMG Guidelines, 2015. Collection method: clinical testing. Allele origin: germline.

Ambry Genetics
Classification: Likely benign for Cardiovascular phenotype. Last evaluated: 2020-12-31. Review status: criteria provided, single submitter. Criteria: Ambry Variant Classification Scheme 2023. Collection method: clinical testing. Allele origin: germline.